The following is an entry in ClinVar:

ClinVar aggregate classification (germline): Uncertain significance. Review status: criteria provided, multiple submitters, no conflicts (2 of 4 stars). 3 submissions from 3 submitters: Uncertain significance (2). 1 of the submissions does not count toward it. Last evaluated 2023-08-24.

Conditions:
Fanconi anemia (FA). Also called: Fanconi's anemia. Identifiers: Orphanet 84, MedGen C0015625, MeSH D005199, MONDO:0019391.
Microcephaly. Also called: Microcephaly (disease). Identifiers: MedGen C4551563, MONDO:0001149, HP:0000252.

Allele frequency attached by ClinVar (database versions not stated): ExAC 0.00006; TOPMed 0.00001; gnomAD exomes 0.00002 and 0.00004; gnomAD 0.00001.
gnomAD v4.1: 27 of 1,612,464 alleles (0.0017%); highest among the groups gnomAD compares: East Asian, 0.0067%; no homozygotes.

Submissions (3):

Labcorp Genetics (formerly Invitae), Labcorp
Classification: Uncertain significance for Fanconi anemia. Last evaluated: 2023-08-24. Review status: criteria provided, single submitter. Criteria: Invitae Variant Classification Sherloc (09022015). Collection method: clinical testing. Allele origin: germline.
Comment: This variant has not been reported in the literature in individuals affected with SLX4-related conditions. In summary, the available evidence is currently insufficient to determine the role of this variant in disease. Therefore, it has been classified as a Variant of Uncertain Significance. An algorithm developed to predict the effect of missense changes on protein structure and function (PolyPhen-2) suggests that this variant is likely to be disruptive. ClinVar contains an entry for this variant (Variation ID: 813709). This variant is present in population databases (rs758785487, gnomAD 0.02%). This sequence change replaces glutamic acid, which is acidic and polar, with lysine, which is basic and polar, at codon 746 of the SLX4 protein (p.Glu746Lys).

Sema4
Classification: Uncertain significance for Fanconi anemia. Last evaluated: 2021-11-03. Review status: criteria provided, single submitter. Criteria: Sema4 Curation Guidelines. Collection method: curation. Allele origin: germline.
Comment: The SLX4 c.2236G>A (p.E746K) variant has not been reported in the literature to our knowledge. It was observed in 10/250474 chromosomes in the large and broad cohorts of the Genome Aggregation Database (PMID: 32461654), and has been reported in ClinVar (Variation ID 813709). Functional studies have not been performed, and in silico predictions of the variant's effect on protein function are inconclusive. The evidence is insufficient to meet ACMG/AMP criteria for classifying the variant as benign or pathogenic. Thus, the clinical significance of this variant is currently uncertain.

Department of Pediatrics, Samsung Medical Center, Samsung Medical Center
Classification: Uncertain significance for Microcephaly. Review status: no assertion criteria provided. Criteria: ACMG Guidelines, 2015. Collection method: research. Allele origin: germline. Affected: yes. Not counted in ClinVar's aggregate classification.

NM_032444.4(SLX4):c.2236G>A (p.Glu746Lys)

Gene: SLX4 (SLX4 structure-specific endonuclease subunit; minus strand). Cytogenetic location: 16p13.3.
Variant type: single nucleotide variant.
Coding change: c.2236G>A on transcript NM_032444.4 (MANE Select); coding-DNA position 2236, G replaced by A.
Protein change: p.Glu746Lys; replaces glutamic acid 746 with lysine.
Molecular consequence: missense variant.
Genome position (GRCh38, 1-based): chr16:3,592,790, C>T on the plus strand (G>A on the coding strand, the complement: SLX4 is on the minus strand). VCF-style: chr16-3592790-C-T. GRCh37 (hg19) VCF-style: chr16-3642791-C-T.
Other names: short protein forms E746K.
Identifiers: ClinVar variation 813709 (VCV000813709.7), dbSNP rs758785487, ClinGen allele CA7866226.